The following is an entry in ClinVar:

NM_000194.3(HPRT1):c.140A>T (p.Glu47Val)

Gene: HPRT1 (hypoxanthine phosphoribosyltransferase 1; plus strand). Cytogenetic location: Xq26.2.
Variant type: single nucleotide variant.
Coding change: c.140A>T on transcript NM_000194.3 (MANE Select); coding-DNA position 140, A replaced by T.
Protein change: p.Glu47Val; replaces glutamic acid 47 with valine.
Molecular consequence: missense variant.
Genome position (GRCh38, 1-based): chrX:134,475,186, A>T. VCF-style: chrX-134475186-A-T. GRCh37 (hg19) VCF-style: chrX-133609216-A-T.
Other names: short protein forms E47V.
Identifiers: ClinVar variation 1771978 (VCV001771978.2), dbSNP rs2520785056, ClinGen allele CA414711853.
Genomic context (GRCh38, chrX:134,475,186, plus strand): 5'-TTATAAAGTTTAATGTATGAAACTTTCTATTAAATTCCTGATTTTATTTCTGTAGGACTG[A>T]ACGTCTTGCTCGAGATGTGATGAAGGAGATGGGAGGCCATCACATTGTAGCCCTCTGTGT-3'
Protein context (NP_000185.1, residues 37-57): IPHGLIMDRT[Glu47Val]RLARDVMKEM

ClinVar aggregate classification (germline): Likely pathogenic (1 of 4 stars; one submission).

Conditions:
Nephrolithiasis/nephrocalcinosis. Identifiers: MedGen CN580796.

Submission:

Ambry Genetics
Classification: Likely pathogenic for Nephrolithiasis/nephrocalcinosis. Last evaluated: 2015-01-16. Review status: criteria provided, single submitter. Criteria: Ambry Variant Classification Scheme 2023. Collection method: clinical testing. Allele origin: germline.
Comment: The p.E47V variant (also known as c.140A>T), located in coding exon 3 of the HPRT1 gene, results from an A to T substitution at nucleotide position 140. The glutamic acid at codon 47 is replaced by valine, an amino acid with dissimilar properties. This variant was seen in an individual who presented with classic Lesch-Nyhan syndrome which included hyperuricemia, neurological dysfunction, and self-injurious behavior (Jinnah HA, et al. Mutat. Res. 2000;463(3):309-26). This variant was not reported in population based cohorts in the following databases: Database of Single Nucleotide Polymorphisms (dbSNP), NHLBI Exome Sequencing Project (ESP), and 1000 Genomes Project. In the ESP, this variant was not observed in 6503 samples with coverage at this position. This amino acid position is well conserved in available vertebrate species. In addition, this alteration is predicted to be deleterious by in silico analysis. Based on the majority of available evidence to date, this variant is likely to be pathogenic.

Literature cited by the submitters: PubMed 11018746.